The following is an entry in ClinVar:

ClinVar aggregate classification (germline): Uncertain significance. Review status: criteria provided, multiple submitters, no conflicts (2 of 4 stars). 2 submissions from 2 submitters: Uncertain significance (2). Last evaluated 2025-12-22.

Allele frequency attached by ClinVar (database versions not stated): gnomAD 0.00008 and 0.00006; 1000 Genomes Project 30x 0.00031; 1000 Genomes Project 0.00040; TOPMed 0.00007; ESP Exome Variant Server 0.00008.
gnomAD v4.1: 90 of 1,614,190 alleles (0.0056%); highest among the groups gnomAD compares: South Asian, 0.064%; 1 homozygote.

Submissions (2):

Labcorp Genetics (formerly Invitae), Labcorp
Classification: Uncertain significance. Last evaluated: 2025-12-22. Review status: criteria provided, single submitter. Criteria: Invitae Variant Classification Sherloc (09022015). Collection method: clinical testing. Allele origin: germline.
Comment: This sequence change replaces threonine, which is neutral and polar, with methionine, which is neutral and non-polar, at codon 41 of the MS4A1 protein (p.Thr41Met). This variant is present in population databases (rs147754874, gnomAD 0.06%), and has an allele count higher than expected for a pathogenic variant. This variant has not been reported in the literature in individuals affected with MS4A1-related conditions. ClinVar contains an entry for this variant (Variation ID: 1436776). An algorithm developed to predict the effect of missense changes on protein structure and function outputs the following: PolyPhen-2: "Benign". The methionine amino acid residue is found in multiple mammalian species, which suggests that this missense change does not adversely affect protein function. In summary, the available evidence is currently insufficient to determine the role of this variant in disease. Therefore, it has been classified as a Variant of Uncertain Significance.

Ambry Genetics
Classification: Uncertain significance. Last evaluated: 2024-05-29. Review status: criteria provided, single submitter. Criteria: Ambry Variant Classification Scheme 2023. Collection method: clinical testing. Allele origin: germline.

NM_152866.3(MS4A1):c.122C>T (p.Thr41Met)

Gene: MS4A1 (membrane spanning 4-domains A1; plus strand). Cytogenetic location: 11q12.2.
Variant type: single nucleotide variant.
Coding change: c.122C>T on transcript NM_152866.3 (MANE Select); coding-DNA position 122, C replaced by T.
Protein change: p.Thr41Met; replaces threonine 41 with methionine.
Molecular consequence: missense variant.
Genome position (GRCh38, 1-based): chr11:60,462,496, C>T. VCF-style: chr11-60462496-C-T. GRCh37 (hg19) VCF-style: chr11-60229969-C-T.
Other names: c.122C>T, p.Thr41Met (NM_021950.4, NM_152867.2); c.122C>T (NM_152866.2); short protein forms T41M.
Identifiers: ClinVar variation 1436776 (VCV001436776.7), dbSNP rs147754874, ClinGen allele CA6024870.